The following is an entry in ClinVar:

ClinVar aggregate classification (germline): Benign/Likely benign. Review status: criteria provided, multiple submitters, no conflicts (2 of 4 stars). 7 submissions from 7 submitters: Benign (6); Likely benign (1). Last evaluated 2026-01-20.

Conditions:
Familial thoracic aortic aneurysm and aortic dissection (TAAD). Also called: Thoracic aortic aneurysms and dissections. Identifiers: Orphanet 91387, MedGen C4707243, MONDO:0019625.
Ehlers-Danlos syndrome, type 4 (EDSVASC). Also called: Ehlers-Danlos syndrome vascular type; Ehlers Danlos syndrome, ecchymotic type; Ehlers Danlos syndrome, arterial type; Ehlers Danlos syndrome, Sack-Barabas type; Ehlers-Danlos Syndrome Type IV. Identifiers: Orphanet 286, MedGen C0268338, MONDO:0017314, OMIM 130050.

Allele frequency attached by ClinVar (database versions not stated): gnomAD 0.00021 and 0.00032; ESP Exome Variant Server 0.00023; TOPMed 0.00023; ExAC 0.00046; 1000 Genomes Project 30x 0.00109; 1000 Genomes Project 0.00120.
gnomAD v4.1: 282 of 1,612,000 alleles (0.017%); highest among the groups gnomAD compares: East Asian, 0.35%; no homozygotes.

Submissions (7):

Labcorp Genetics (formerly Invitae), Labcorp
Classification: Benign for Ehlers-Danlos syndrome, type 4. Last evaluated: 2026-01-20. Review status: criteria provided, single submitter. Criteria: Invitae Variant Classification Sherloc (09022015). Collection method: clinical testing. Allele origin: germline.

Blueprint Genetics
Classification: Likely benign. Last evaluated: 2024-10-15. Review status: criteria provided, single submitter. Criteria: ACMG Guidelines, 2015. Collection method: clinical testing. Allele origin: germline.

Women's Health and Genetics/Laboratory Corporation of America, LabCorp
Classification: Benign. Last evaluated: 2021-06-21. Review status: criteria provided, single submitter. Criteria: LabCorp Variant Classification Summary - May 2015. Collection method: clinical testing. Allele origin: germline.
Comment: Variant summary: COL3A1 c.1977+9C>T alters a non-conserved nucleotide located close to a canonical splice site and therefore could affect mRNA splicing, leading to a significantly altered protein sequence. 4/4 computational tools predict no significant impact on normal splicing. However, these predictions have yet to be confirmed by functional studies. The variant allele was found at a frequency of 0.0005 in 249772 control chromosomes. The observed variant frequency is approximately 331 fold of the estimated maximal expected allele frequency for a pathogenic variant in COL3A1 causing Ehlers-Danlos Syndrome, Vascular Type phenotype (1.5e-06), strongly suggesting that the variant is benign. To our knowledge, no occurrence of c.1977+9C>T in individuals affected with Ehlers-Danlos Syndrome, Vascular Type and no experimental evidence demonstrating its impact on protein function have been reported. Four clinical diagnostic laboratories have submitted clinical-significance assessments for this variant to ClinVar after 2014 without evidence for independent evaluation. All laboratories classified the variant as benign. Based on the evidence outlined above, the variant was classified as benign.

CHEO Genetics Diagnostic Laboratory, Children's Hospital of Eastern Ontario
Classification: Benign for Familial thoracic aortic aneurysm and aortic dissection. Last evaluated: 2018-04-27. Review status: criteria provided, single submitter. Criteria: ACMG Guidelines, 2015. Collection method: clinical testing. Allele origin: germline.

Illumina Laboratory Services, Illumina
Classification: Benign for Ehlers-Danlos syndrome, type 4. Last evaluated: 2018-01-13. Review status: criteria provided, single submitter. Criteria: ICSL Variant Classification Criteria 13 December 2019. Collection method: clinical testing. Allele origin: germline.
Comment: This variant was observed in the ICSL laboratory as part of a predisposition screen in an ostensibly healthy population. It had not been previously curated by ICSL or reported in the Human Gene Mutation Database (HGMD: prior to June 1st, 2018), and was therefore a candidate for classification through an automated scoring system. Utilizing variant allele frequency, disease prevalence and penetrance estimates, and inheritance mode, an automated score was calculated to assess if this variant is too frequent to cause the disease. Based on the score and internal cut-off values, a variant classified as benign is not then subjected to further curation. The score for this variant resulted in a classification of benign for this disease.

ARUP Laboratories, Molecular Genetics and Genomics, ARUP Laboratories
Classification: Benign. Last evaluated: 2016-09-21. Review status: criteria provided, single submitter. Criteria: ARUP Molecular Germline Variant Investigation Process. Collection method: clinical testing. Allele origin: germline.

GeneDx
Classification: Benign. Last evaluated: 2014-04-02. Review status: criteria provided, single submitter. Criteria: GeneDx Variant Classification (06012015). Collection method: clinical testing. Allele origin: germline. Affected: yes.
Comment: This variant is considered likely benign or benign based on one or more of the following criteria: it is a conservative change, it occurs at a poorly conserved position in the protein, it is predicted to be benign by multiple in silico algorithms, and/or has population frequency not consistent with disease.

NM_000090.4(COL3A1):c.1977+9C>T

Gene: COL3A1 (collagen type III alpha 1 chain; plus strand). Cytogenetic location: 2q32.2.
Variant type: single nucleotide variant.
Coding change: c.1977+9C>T on transcript NM_000090.4 (MANE Select); 9 bases into the intron after coding-DNA position 1977, C replaced by T.
Molecular consequence: intron variant.
Genome position (GRCh38, 1-based): chr2:188,998,328, C>T. VCF-style: chr2-188998328-C-T. GRCh37 (hg19) VCF-style: chr2-189863054-C-T.
Identifiers: ClinVar variation 136850 (VCV000136850.24), dbSNP rs184223621, ClinGen allele CA004793.
Genomic context (GRCh38, chr2:188,998,328, plus strand): 5'-CTTGCCTGGTACAGGTGGTCCTCCAGGAGAAAATGGAAAACCTGGGGAACCAGTAAGTTA[C>T]GTTTCATTATTCAAAACTCAGAAACAAAAAGAATACACACTGTTTGTTTGTCAACTATTA-3'